The following is an entry in ClinVar:

NM_000329.3(RPE65):c.1533T>G (p.Ser511Arg)

Gene: RPE65 (retinoid isomerohydrolase RPE65; minus strand). Cytogenetic location: 1p31.3.
Variant type: single nucleotide variant.
Coding change: c.1533T>G on transcript NM_000329.3 (MANE Select); coding-DNA position 1533, T replaced by G.
Protein change: p.Ser511Arg; replaces serine 511 with arginine.
Molecular consequence: missense variant.
Genome position (GRCh38, 1-based): chr1:68,429,845, A>C on the plus strand (T>G on the coding strand, the complement: RPE65 is on the minus strand). VCF-style: chr1-68429845-A-C. GRCh37 (hg19) VCF-style: chr1-68895528-A-C.
Other names: short protein forms S511R.
Identifiers: ClinVar variation 841793 (VCV000841793.13), dbSNP rs190761343, ClinGen allele CA902136.
Genomic context (GRCh38, chr1:68,429,845, plus strand): 5'-TTTGAACAGTCCATGAAAGGTGACAGGGATGTTAATCTCCACTTCAGCCCGGGCAACTTC[A>C]CTTAAGTCCTTGGCATTCAGAATCAGGAGATAAGCAGGCTTTTGTCCTGCTCCTGGGCTC-3'
Protein context (NP_000320.1, residues 501-521): YLLILNAKDL[Ser511Arg]EVARAEVEIN

ClinVar aggregate classification (germline): Uncertain significance. Review status: criteria provided, multiple submitters, no conflicts (2 of 4 stars). 6 submissions from 6 submitters: Uncertain significance (4). 2 of the submissions do not count toward it. Last evaluated 2026-08-19.

Conditions:
RPE65-related recessive retinopathy. Also called: Recessive RPE65 retinopathy. Identifiers: MedGen CN305526, MONDO:0100368.
Retinal dystrophy. Also called: Inherited retinal dystrophy. Identifiers: Orphanet 71862, MedGen C0854723, MeSH D058499, MONDO:0019118, HP:0000556.
Leber congenital amaurosis 2 (LCA2). Also called: AMAUROSIS CONGENITA OF LEBER II; Autosomal Recessive RPE65-Related Retinal Degeneration. Identifiers: Orphanet 65, MedGen C1859844, MONDO:0008765, OMIM 204100. Disease mechanism: loss of function.
Retinitis pigmentosa 20 (RP20). Identifiers: Orphanet 791, MedGen C3151086, MONDO:0013425, OMIM 613794.
Leber congenital amaurosis (LCA). Also called: Leber's amaurosis. Identifiers: Orphanet 65, MedGen C0339527, MeSH D057130, MONDO:0018998.

Allele frequency attached by ClinVar (database versions not stated): gnomAD exomes below 0.00001 and 0.00001; gnomAD 0.00001; TOPMed 0.00001; ExAC 0.00002; ESP Exome Variant Server 0.00008; 1000 Genomes Project 30x 0.00016; 1000 Genomes Project 0.00020.
gnomAD v4.1: 3 of 1,613,842 alleles (0.00019%); highest among the groups gnomAD compares: African/African-American, 0.004%; no homozygotes.

Submissions (6):

Myriad Genetics, Inc.
Classification: Uncertain significance for RPE65-related recessive retinopathy. Last evaluated: 2026-08-19. Review status: criteria provided, single submitter. Criteria: Myriad Autosomal Dominant, Autosomal Recessive and X-Linked Classification Criteria (2023). Collection method: clinical testing. Allele origin: unknown.
Comment: NM_000329.2(RPE65):c.1533T>G(S511R) is a missense variant classified as a variant of uncertain significance in the context of inherited retinal dystrophy, RPE65-related. S511R has been observed in cases with relevant disease (PMID: 39462066, Zwick_2025_(thesis)). Relevant functional assessments of this variant are not available in the literature. S511R has been observed in referenced population frequency databases. In summary, there is insufficient evidence to classify NM_000329.2(RPE65):c.1533T>G(S511R) as pathogenic or benign. Please note: this variant was assessed in the context of healthy population screening.

Labcorp Genetics (formerly Invitae), Labcorp
Classification: Uncertain significance for Leber congenital amaurosis 2; Retinitis pigmentosa 20. Last evaluated: 2025-09-08. Review status: criteria provided, single submitter. Criteria: Invitae Variant Classification Sherloc (09022015). Collection method: clinical testing. Allele origin: germline.
Comment: This sequence change replaces serine, which is neutral and polar, with arginine, which is basic and polar, at codon 511 of the RPE65 protein (p.Ser511Arg). This variant is present in population databases (rs190761343, gnomAD 0.01%). This variant has not been reported in the literature in individuals affected with RPE65-related conditions. ClinVar contains an entry for this variant (Variation ID: 841793). Invitae Evidence Modeling of protein sequence and biophysical properties (such as structural, functional, and spatial information, amino acid conservation, physicochemical variation, residue mobility, and thermodynamic stability) indicates that this missense variant is not expected to disrupt RPE65 protein function with a negative predictive value of 80%. In summary, the available evidence is currently insufficient to determine the role of this variant in disease. Therefore, it has been classified as a Variant of Uncertain Significance.

Revvity Omics, Revvity
Classification: Uncertain significance. Last evaluated: 2025-06-10. Review status: criteria provided, single submitter. Criteria: ACMG Guidelines, 2015. Collection method: clinical testing. Allele origin: germline.

Blueprint Genetics
Classification: Uncertain significance. Last evaluated: 2022-09-20. Review status: criteria provided, single submitter. Criteria: ACMG Guidelines, 2015. Collection method: clinical testing. Allele origin: germline.

Institute of Human Genetics, Univ. Regensburg, Univ. Regensburg
Classification: Likely pathogenic for Retinal dystrophy. Last evaluated: 2021-01-01. Review status: no assertion criteria provided. Criteria: ACMG Guidelines, 2015. Collection method: clinical testing. Allele origin: germline. Affected: yes. Not counted in ClinVar's aggregate classification.

Natera, Inc.
Classification: Uncertain significance for Leber congenital amaurosis. Last evaluated: 2020-03-20. Review status: no assertion criteria provided. Collection method: clinical testing. Allele origin: germline. Not counted in ClinVar's aggregate classification.